The following is an entry in ClinVar:

NM_000719.7(CACNA1C):c.163G>A (p.Ala55Thr)

Gene: CACNA1C (calcium voltage-gated channel subunit alpha1 C; plus strand). Cytogenetic location: 12p13.33.
Variant type: single nucleotide variant.
Coding change: c.163G>A on transcript NM_000719.7 (MANE Select); coding-DNA position 163, G replaced by A.
Protein change: p.Ala55Thr; replaces alanine 55 with threonine.
Molecular consequence: missense variant.
Genome position (GRCh38, 1-based): chr12:2,115,337, G>A. VCF-style: chr12-2115337-G-A. GRCh37 (hg19) VCF-style: chr12-2224503-G-A.
Other names: c.163G>A, p.Ala55Thr (NM_001129827.2, NM_001129829.2, NM_001129830.3 and 19 more transcripts); short protein forms A55T.
Identifiers: ClinVar variation 862081 (VCV000862081.10), dbSNP rs1238098699, ClinGen allele CA383653059.

ClinVar aggregate classification (germline): Uncertain significance (1 of 4 stars; one submission).

Conditions:
Long QT syndrome (LQTS). Identifiers: MedGen C0023976, MeSH D008133, MONDO:0002442. Disease mechanism: loss of function. Inheritance: Various modes of inheritance.

Allele frequency attached by ClinVar (database versions not stated): gnomAD exomes below 0.00001.
gnomAD v4.1: 1 of 1,585,642 alleles (0.000063%); highest among the groups gnomAD compares: Non-Finnish European, 0.000085%; no homozygotes.

Submission:

Labcorp Genetics (formerly Invitae), Labcorp
Classification: Uncertain significance for Long QT syndrome. Last evaluated: 2019-01-05. Review status: criteria provided, single submitter. Criteria: Invitae Variant Classification Sherloc (09022015). Collection method: clinical testing. Allele origin: germline.
Comment: In summary, the available evidence is currently insufficient to determine the role of this variant in disease. Therefore, it has been classified as a Variant of Uncertain Significance. Algorithms developed to predict the effect of missense changes on protein structure and function are either unavailable or do not agree on the potential impact of this missense change (SIFT: "Tolerated"; PolyPhen-2: "Probably Damaging"; Align-GVGD: "Class C0"). This variant has not been reported in the literature in individuals with CACNA1C-related conditions. This variant is not present in population databases (ExAC no frequency). This sequence change replaces alanine with threonine at codon 55 of the CACNA1C protein (p.Ala55Thr). The alanine residue is weakly conserved and there is a small physicochemical difference between alanine and threonine.